The following is an entry in ClinVar:

NM_001166108.2(PALLD):c.1244C>T (p.Ser415Phe)

Gene: PALLD (palladin, cytoskeletal associated protein; plus strand). Cytogenetic location: 4q32.3.
Variant type: single nucleotide variant.
Coding change: c.1244C>T on transcript NM_001166108.2 (MANE Select); coding-DNA position 1244, C replaced by T.
Protein change: p.Ser415Phe; replaces serine 415 with phenylalanine.
Molecular consequence: missense variant.
Genome position (GRCh38, 1-based): chr4:168,683,087, C>T. VCF-style: chr4-168683087-C-T. GRCh37 (hg19) VCF-style: chr4-169604238-C-T.
Other names: c.98C>T, p.Ser33Phe (NM_001166109.2); c.1244C>T, p.Ser415Phe (NM_016081.4); short protein forms S33F, S415F.
Identifiers: ClinVar variation 2563385 (VCV002563385.2), dbSNP rs1781711662, ClinGen allele CA358794331.

ClinVar aggregate classification (germline): Uncertain significance (1 of 4 stars; one submission).

Submission:

Ambry Genetics
Classification: Uncertain significance. Last evaluated: 2023-03-21. Review status: criteria provided, single submitter. Criteria: Ambry Variant Classification Scheme 2023. Collection method: clinical testing. Allele origin: germline.
Comment: The p.S415F variant (also known as c.1244C>T), located in coding exon 4 of the PALLD gene, results from a C to T substitution at nucleotide position 1244. The serine at codon 415 is replaced by phenylalanine, an amino acid with highly dissimilar properties. This amino acid position is conserved. In addition, this alteration is predicted to be deleterious by in silico analysis. Since supporting evidence is limited at this time, the clinical significance of this alteration remains unclear.